The following is an entry in ClinVar:

ClinVar aggregate classification (germline): Uncertain significance. Review status: criteria provided, multiple submitters, no conflicts (2 of 4 stars). 2 submissions from 2 submitters: Uncertain significance (2). Last evaluated 2025-05-27.

Allele frequency attached by ClinVar (database versions not stated): gnomAD exomes below 0.00001 and 0.00001; ExAC 0.00001.
gnomAD v4.1: 16 of 1,613,184 alleles (0.00099%); highest among the groups gnomAD compares: Non-Finnish European, 0.0012%; no homozygotes.

Submissions (2):

GeneDx
Classification: Uncertain significance. Last evaluated: 2025-05-27. Review status: criteria provided, single submitter. Criteria: GeneDx Variant Classification Process June 2021. Collection method: clinical testing. Allele origin: germline. Affected: yes.
Comment: Not observed at significant frequency in large population cohorts (gnomAD); Missense variant in a gene in which most reported pathogenic variants are truncating/loss of function; Has not been previously published as pathogenic or benign to our knowledge

Laboratory for Molecular Medicine, Mass General Brigham Personalized Medicine
Classification: Uncertain significance. Last evaluated: 2013-10-15. Review status: criteria provided, single submitter. Criteria: LMM Criteria. Collection method: clinical testing. Allele origin: germline. Observed: 1 variant allele.
Comment: The Arg11267Gln variant in TTN has not been reported in individuals with cardiom yopathy or in large population studies. Computational analyses (biochemical amin o acid properties, conservation, AlignGVGD, PolyPhen2, and SIFT) do not provide strong support for or against an impact to the protein. Additional information i s needed to fully assess the clinical significance of this variant.

NM_001267550.2(TTN):c.41504G>A (p.Arg13835Gln)

Gene: TTN (titin; minus strand). Cytogenetic location: 2q31.2.
Variant type: single nucleotide variant.
Coding change: c.41504G>A on transcript NM_001267550.2 (MANE Select); coding-DNA position 41504, G replaced by A.
Protein change: p.Arg13835Gln; replaces arginine 13835 with glutamine.
Molecular consequence: missense variant.
Genome position (GRCh38, 1-based): chr2:178,636,067, C>T on the plus strand (G>A on the coding strand, the complement: TTN is on the minus strand). VCF-style: chr2-178636067-C-T. GRCh37 (hg19) VCF-style: chr2-179500794-C-T.
Other names: c.33800G>A, p.Arg11267Gln (NM_133378.4); c.36581G>A, p.Arg12194Gln (NM_001256850.1); c.14309G>A, p.Arg4770Gln (NM_003319.4); c.14684G>A, p.Arg4895Gln (NM_133432.3); c.14885G>A, p.Arg4962Gln (NM_133437.4); c.41504G>A (NM_001267550.1); short protein forms R11267Q, R13835Q, R4770Q, R4895Q, R4962Q, R12194Q.
Identifiers: ClinVar variation 178918 (VCV000178918.6), dbSNP rs727504539, ClinGen allele CA183306.
Genomic context (GRCh38, chr2:178,636,067, plus strand): 5'-TCCACAGTAACTGTGTATGTTCCAGCATCTGTGTCATCTGCATCGTTGATGGTCAGAGCC[C>T]GCATCAAGCCAATGACGCCTGGCACAATTCGGCCAGGTTTCTCCACCACAATCTTGCCAT-3'
Protein context (NP_001254479.2, residues 13825-13845): RIVPGVIGLM[Arg13835Gln]ALTINDADDT